The following is an entry in ClinVar:

ClinVar aggregate classification (germline): Uncertain significance. Review status: criteria provided, multiple submitters, no conflicts (2 of 4 stars). 2 submissions from 2 submitters: Uncertain significance (2). Last evaluated 2021-03-11.

Conditions:
Hereditary nonpolyposis colorectal neoplasms. Identifiers: MedGen C0009405, MeSH D003123.
Hereditary cancer-predisposing syndrome. Also called: Tumor predisposition; Hereditary neoplastic syndrome; Neoplastic Syndromes, Hereditary; Hereditary Cancer Syndrome. Identifiers: Orphanet 140162, MedGen C0027672, MeSH D009386, MONDO:0015356.

Allele frequency attached by ClinVar (database versions not stated): gnomAD exomes below 0.00001.
gnomAD v4.1: 1 of 1,614,206 alleles (0.000062%); highest among the groups gnomAD compares: African/African-American, 0.0013%; no homozygotes.

Submissions (2):

Labcorp Genetics (formerly Invitae), Labcorp
Classification: Uncertain significance for Hereditary nonpolyposis colorectal neoplasms. Last evaluated: 2021-03-11. Review status: criteria provided, single submitter. Criteria: Invitae Variant Classification Sherloc (09022015). Collection method: clinical testing. Allele origin: germline.
Comment: In summary, the available evidence is currently insufficient to determine the role of this variant in disease. Therefore, it has been classified as a Variant of Uncertain Significance. Advanced modeling of protein sequence and biophysical properties (such as structural, functional, and spatial information, amino acid conservation, physicochemical variation, residue mobility, and thermodynamic stability) performed at Invitae indicates that this missense variant is not expected to disrupt MSH6 protein function. This variant has not been reported in the literature in individuals with MSH6-related conditions. ClinVar contains an entry for this variant (Variation ID: 819322). This variant is not present in population databases (ExAC no frequency). This sequence change replaces methionine with leucine at codon 499 of the MSH6 protein (p.Met499Leu). The methionine residue is weakly conserved and there is a small physicochemical difference between methionine and leucine.

Ambry Genetics
Classification: Uncertain significance for Hereditary cancer-predisposing syndrome. Last evaluated: 2019-12-03. Review status: criteria provided, single submitter. Criteria: Ambry Variant Classification Scheme 2023. Collection method: clinical testing. Allele origin: germline.
Comment: The p.M499L variant (also known as c.1495A>T), located in coding exon 4 of the MSH6 gene, results from an A to T substitution at nucleotide position 1495. The methionine at codon 499 is replaced by leucine, an amino acid with highly similar properties. This amino acid position is not well conserved in available vertebrate species. In addition, this alteration is predicted to be tolerated by in silico analysis. Since supporting evidence is limited at this time, the clinical significance of this alteration remains unclear.

NM_000179.3(MSH6):c.1495A>T (p.Met499Leu)

Gene: MSH6 (mutS homolog 6; plus strand). Cytogenetic location: 2p16.3.
Variant type: single nucleotide variant.
Coding change: c.1495A>T on transcript NM_000179.3 (MANE Select); coding-DNA position 1495, A replaced by T.
Protein change: p.Met499Leu; replaces methionine 499 with leucine.
Molecular consequence: missense variant.
Genome position (GRCh38, 1-based): chr2:47,799,478, A>T. VCF-style: chr2-47799478-A-T. GRCh37 (hg19) VCF-style: chr2-48026617-A-T.
Other names: c.1105A>T, p.Met369Leu (NM_001281492.2); c.589A>T, p.Met197Leu (NM_001281493.2, NM_001281494.2); short protein forms M369L, M197L, M499L.
Identifiers: ClinVar variation 819322 (VCV000819322.12), dbSNP rs1114167745, ClinGen allele CA346746146.